The following is an entry in ClinVar:

ClinVar aggregate classification (germline): Uncertain significance. Review status: criteria provided, multiple submitters, no conflicts (2 of 4 stars). 4 submissions from 4 submitters: Uncertain significance (4). Last evaluated 2025-04-14.

Conditions:
Legius syndrome. Identifiers: Orphanet 137605, MedGen C1969623, MONDO:0012669, OMIM 611431. Disease mechanism: loss of function.
Cardiovascular phenotype. Identifiers: MedGen CN230736.

Submissions (4):

Labcorp Genetics (formerly Invitae), Labcorp
Classification: Uncertain significance for Legius syndrome. Last evaluated: 2025-04-14. Review status: criteria provided, single submitter. Criteria: Invitae Variant Classification Sherloc (09022015). Collection method: clinical testing. Allele origin: germline.
Comment: This sequence change replaces asparagine, which is neutral and polar, with lysine, which is basic and polar, at codon 182 of the SPRED1 protein (p.Asn182Lys). This variant is not present in population databases (gnomAD no frequency). This variant has not been reported in the literature in individuals affected with SPRED1-related conditions. ClinVar contains an entry for this variant (Variation ID: 2039774). Invitae Evidence Modeling of protein sequence and biophysical properties (such as structural, functional, and spatial information, amino acid conservation, physicochemical variation, residue mobility, and thermodynamic stability) indicates that this missense variant is not expected to disrupt SPRED1 protein function with a negative predictive value of 80%. In summary, the available evidence is currently insufficient to determine the role of this variant in disease. Therefore, it has been classified as a Variant of Uncertain Significance.

Ambry Genetics
Classification: Uncertain significance for Cardiovascular phenotype. Last evaluated: 2025-04-03. Review status: criteria provided, single submitter. Criteria: Ambry Variant Classification Scheme 2023. Collection method: clinical testing. Allele origin: germline.
Comment: The p.N182K variant (also known as c.546T>A), located in coding exon 5 of the SPRED1 gene, results from a T to A substitution at nucleotide position 546. The asparagine at codon 182 is replaced by lysine, an amino acid with similar properties. This amino acid position is conserved. In addition, this alteration is predicted to be tolerated by in silico analysis. Based on the available evidence, the clinical significance of this variant remains unclear.

Women's Health and Genetics/Laboratory Corporation of America, LabCorp
Classification: Uncertain significance. Last evaluated: 2025-02-03. Review status: criteria provided, single submitter. Criteria: LabCorp Variant Classification Summary - May 2015. Collection method: clinical testing. Allele origin: germline.

St. Jude Molecular Pathology, St. Jude Children's Research Hospital
Classification: Uncertain significance for Legius syndrome. Last evaluated: 2023-08-22. Review status: criteria provided, single submitter. Criteria: St. Jude Assertion Criteria 2020. Collection method: clinical testing. Allele origin: germline.
Comment: The SPRED1 c.424G>T (p.Ala142Ser) missense change has a maximum subpopulation frequency of 0.0023% in gnomAD v2.1.1. The in silico tool REVEL predicts a benign effect on protein function, but to our knowledge this prediction has not been confirmed by functional studies. To our knowledge, this variant has not been reported in the literature in individuals with Legius syndrome. In summary, the evidence currently available is insufficient to determine the clinical significance of this variant. It has therefore been classified as of uncertain significance.

NM_152594.3(SPRED1):c.546T>A (p.Asn182Lys)

Gene: SPRED1 (sprouty related EVH1 domain containing 1; plus strand). Cytogenetic location: 15q14.
Variant type: single nucleotide variant.
Coding change: c.546T>A on transcript NM_152594.3 (MANE Select); coding-DNA position 546, T replaced by A.
Protein change: p.Asn182Lys; replaces asparagine 182 with lysine.
Molecular consequence: missense variant.
Genome position (GRCh38, 1-based): chr15:38,339,859, T>A. VCF-style: chr15-38339859-T-A. GRCh37 (hg19) VCF-style: chr15-38632060-T-A.
Other names: c.546T>A (NM_152594.2); short protein forms N182K.
Identifiers: ClinVar variation 2039774 (VCV002039774.7), dbSNP rs1419303814, ClinGen allele CA391932669.